The following is an entry in ClinVar:

NM_001845.6(COL4A1):c.388-11T>C

Gene: COL4A1 (collagen type IV alpha 1 chain; minus strand). Cytogenetic location: 13q34.
Variant type: single nucleotide variant.
Coding change: c.388-11T>C on transcript NM_001845.6 (MANE Select); 11 bases into the intron before coding-DNA position 388, T replaced by C.
Molecular consequence: intron variant.
Genome position (GRCh38, 1-based): chr13:110,211,933, A>G on the plus strand (T>C on the coding strand, the complement: COL4A1 is on the minus strand). VCF-style: chr13-110211933-A-G. GRCh37 (hg19) VCF-style: chr13-110864280-A-G.
Other names: c.388-11T>C (NM_001303110.2).
Identifiers: ClinVar variation 311079 (VCV000311079.18), dbSNP rs201801894, ClinGen allele CA7048531.

ClinVar aggregate classification (germline): Benign/Likely benign. Review status: criteria provided, multiple submitters, no conflicts (2 of 4 stars). 4 submissions from 3 submitters: Benign (3); Likely benign (1). Last evaluated 2026-02-01.

Conditions:
Brain small vessel disease 1 with or without ocular anomalies (BSVD1). Also called: PORENCEPHALY, TYPE 1, AUTOSOMAL DOMINANT; Brain small vessel disease with or without ocular anomalies; GOULD SYNDROME 1; BRAIN SMALL VESSEL DISEASE WITH HEMORRHAGE. Identifiers: Orphanet 2940, Orphanet 36383, Orphanet 99810, MedGen C4755307, MONDO:0008289, OMIM 175780.
Autosomal dominant familial hematuria-retinal arteriolar tortuosity-contractures syndrome. Also called: Hereditary Angiopathy with Nephropathy, Aneurysms, and Muscle Cramps (HANAC) Syndrome; Angiopathy, hereditary, with nephropathy, aneurysms, and muscle cramps. Identifiers: Orphanet 73229, MedGen C2673195, MONDO:0012726, OMIM 611773.

Allele frequency attached by ClinVar (database versions not stated): gnomAD 0.00023 and 0.00024; TOPMed 0.00026; gnomAD exomes 0.00027 and 0.00061; ExAC 0.00034; ESP Exome Variant Server 0.00038.
gnomAD v4.1: 926 of 1,613,990 alleles (0.057%); highest among the groups gnomAD compares: Non-Finnish European, 0.074%; 2 homozygotes.

Submissions (5):

Labcorp Genetics (formerly Invitae), Labcorp
Classification: Benign. Last evaluated: 2026-02-01. Review status: criteria provided, single submitter. Criteria: Invitae Variant Classification Sherloc (09022015). Collection method: clinical testing. Allele origin: germline.

Blueprint Genetics
Classification: Likely benign. Last evaluated: 2024-09-09. Review status: criteria provided, single submitter. Criteria: ACMG Guidelines, 2015. Collection method: clinical testing. Allele origin: germline.

Illumina Laboratory Services, Illumina
Classification: Benign for Autosomal dominant familial hematuria-retinal arteriolar tortuosity-contractures syndrome. Last evaluated: 2018-01-12. Review status: criteria provided, single submitter. Criteria: ICSL Variant Classification Criteria 13 December 2019. Collection method: clinical testing. Allele origin: germline.
Comment: This variant was observed in the ICSL laboratory as part of a predisposition screen in an ostensibly healthy population. It had not been previously curated by ICSL or reported in the Human Gene Mutation Database (HGMD: prior to June 1st, 2018), and was therefore a candidate for classification through an automated scoring system. Utilizing variant allele frequency, disease prevalence and penetrance estimates, and inheritance mode, an automated score was calculated to assess if this variant is too frequent to cause the disease. Based on the score and internal cut-off values, a variant classified as benign is not then subjected to further curation. The score for this variant resulted in a classification of benign for this disease.

Illumina Laboratory Services, Illumina
Classification: Benign for Brain small vessel disease 1 with or without ocular anomalies. Last evaluated: 2018-01-12. Review status: criteria provided, single submitter. Criteria: ICSL Variant Classification Criteria 13 December 2019. Collection method: clinical testing. Allele origin: germline.
Comment: the same text as in the submission from Illumina Laboratory Services, Illumina above.

Dr. Peter K. Rogan Lab, Western University
No classification provided (evidence only). Condition: Uterine corpus endometrial carcinoma. Review status: no classification provided. Collection method: in vitro. Allele origin: not applicable. Functional consequence: skipped exon, retained intron. Not counted in ClinVar's aggregate classification.